The following is an entry in ClinVar:

NM_001374736.1(DST):c.4205A>G (p.Tyr1402Cys)

Gene: DST (dystonin; minus strand). Cytogenetic location: 6p12.1.
Variant type: single nucleotide variant.
Coding change: c.4205A>G on transcript NM_001374736.1 (MANE Select); coding-DNA position 4205, A replaced by G.
Protein change: p.Tyr1402Cys; replaces tyrosine 1402 with cysteine.
Molecular consequence: missense variant.
Genome position (GRCh38, 1-based): chr6:56,630,321, T>C on the plus strand (A>G on the coding strand, the complement: DST is on the minus strand). VCF-style: chr6-56630321-T-C. GRCh37 (hg19) VCF-style: chr6-56495119-T-C.
Other names: c.4106A>G, p.Tyr1369Cys (NM_001144769.5); c.3692A>G, p.Tyr1231Cys (NM_001144770.2); c.4205A>G, p.Tyr1402Cys (NM_001374722.1); c.3572A>G, p.Tyr1191Cys (NM_001374729.1, NM_001374730.1, NM_001386100.1 and 1 more transcripts); c.4232A>G, p.Tyr1411Cys (NM_001374734.1); c.2594A>G, p.Tyr865Cys (NM_001723.7, NM_015548.5); short protein forms Y1369C, Y1411C, Y1231C, Y1191C, Y865C, Y1402C.
Identifiers: ClinVar variation 861501 (VCV000861501.12), dbSNP rs2098767617, ClinGen allele CA364574186.

ClinVar aggregate classification (germline): Uncertain significance. Review status: criteria provided, multiple submitters, no conflicts (2 of 4 stars). 2 submissions from 2 submitters: Uncertain significance (2). Last evaluated 2025-01-06.

Conditions:
Epidermolysis bullosa simplex 3, localized or generalized intermediate, with BP230 deficiency (EBS3). Also called: Epidermolysis bullosa simplex due to BP230 deficiency; Epidermolysis bullosa simplex, autosomal recessive 2. Identifiers: Orphanet 412181, MedGen C3809470, MONDO:0014180, OMIM 615425.
Hereditary sensory and autonomic neuropathy type 6. Also called: Neuropathy, hereditary sensory and autonomic, type VI; HSAN VI. Identifiers: Orphanet 314381, MedGen C3539003, MONDO:0013839, OMIM 614653.
Inborn genetic diseases. Identifiers: MedGen C0950123, MeSH D030342.

Allele frequency attached by ClinVar (database versions not stated): gnomAD exomes below 0.00001; gnomAD 0.00001.
gnomAD v4.1: 2 of 1,612,732 alleles (0.00012%); highest among the groups gnomAD compares: African/African-American, 0.0027%; no homozygotes.

Submissions (2):

Labcorp Genetics (formerly Invitae), Labcorp
Classification: Uncertain significance for Epidermolysis bullosa simplex 3, localized or generalized intermediate, with BP230 deficiency; Hereditary sensory and autonomic neuropathy type 6. Last evaluated: 2025-01-06. Review status: criteria provided, single submitter. Criteria: Invitae Variant Classification Sherloc (09022015). Collection method: clinical testing. Allele origin: germline.
Comment: This sequence change replaces tyrosine, which is neutral and polar, with cysteine, which is neutral and slightly polar, at codon 865 of the DST protein (p.Tyr865Cys). This variant is not present in population databases (gnomAD no frequency). This variant has not been reported in the literature in individuals affected with DST-related conditions. ClinVar contains an entry for this variant (Variation ID: 861501). An algorithm developed to predict the effect of missense changes on protein structure and function (PolyPhen-2) suggests that this variant is likely to be disruptive. In summary, the available evidence is currently insufficient to determine the role of this variant in disease. Therefore, it has been classified as a Variant of Uncertain Significance.

Ambry Genetics
Classification: Uncertain significance for Inborn genetic diseases. Last evaluated: 2019-11-21. Review status: criteria provided, single submitter. Criteria: Ambry Variant Classification Scheme 2023. Collection method: clinical testing. Allele origin: germline.
Comment: The p.Y1369C variant (also known as c.4106A>G), located in coding exon 30 of the DST gene, results from an A to G substitution at nucleotide position 4106. The tyrosine at codon 1369 is replaced by cysteine, an amino acid with highly dissimilar properties. This amino acid position is well conserved in available vertebrate species. In addition, this alteration is predicted to be deleterious by in silico analysis. Since supporting evidence is limited at this time, the clinical significance of this alteration remains unclear.